The following is an entry in ClinVar:

NM_002485.5(NBN):c.1919A>T (p.Asn640Ile)

Gene: NBN (nibrin; minus strand). Cytogenetic location: 8q21.3.
Variant type: single nucleotide variant.
Coding change: c.1919A>T on transcript NM_002485.5 (MANE Select); coding-DNA position 1919, A replaced by T.
Protein change: p.Asn640Ile; replaces asparagine 640 with isoleucine.
Molecular consequence: missense variant.
Genome position (GRCh38, 1-based): chr8:89,946,291, T>A on the plus strand (A>T on the coding strand, the complement: NBN is on the minus strand). VCF-style: chr8-89946291-T-A. GRCh37 (hg19) VCF-style: chr8-90958519-T-A.
Other names: c.1673A>T, p.Asn558Ile (NM_001024688.3); c.1919A>T (NM_002485.4); short protein forms N558I, N640I.
Identifiers: ClinVar variation 1053960 (VCV001053960.11), dbSNP rs748073091, ClinGen allele CA371676804.

ClinVar aggregate classification (germline): Uncertain significance. Review status: criteria provided, multiple submitters, no conflicts (2 of 4 stars). 2 submissions from 2 submitters: Uncertain significance (2). Last evaluated 2023-01-20.

Conditions:
Hereditary cancer-predisposing syndrome. Also called: Hereditary Cancer Syndrome; Tumor predisposition; Hereditary neoplastic syndrome; Neoplastic Syndromes, Hereditary. Identifiers: Orphanet 140162, MedGen C0027672, MeSH D009386, MONDO:0015356.
Microcephaly, normal intelligence and immunodeficiency (NBS). Also called: Nijmegen breakage syndrome; Microcephaly with normal intelligence immunodeficiency and lymphoreticular malignancies; Nonsyndromal microcephaly autosomal recessive with normal intelligence; Seemanova syndrome 2; SEEMANOVA SYNDROME II; IMMUNODEFICIENCY, MICROCEPHALY, AND CHROMOSOMAL INSTABILITY. Identifiers: Orphanet 647, MedGen C0398791, MONDO:0009623, OMIM 251260.

Submissions (2):

Ambry Genetics
Classification: Uncertain significance for Hereditary cancer-predisposing syndrome. Last evaluated: 2023-01-20. Review status: criteria provided, single submitter. Criteria: Ambry Variant Classification Scheme 2023. Collection method: clinical testing. Allele origin: germline.
Comment: The p.N640I variant (also known as c.1919A>T), located in coding exon 13 of the NBN gene, results from an A to T substitution at nucleotide position 1919. The asparagine at codon 640 is replaced by isoleucine, an amino acid with dissimilar properties. This amino acid position is conserved. In addition, this alteration is predicted to be tolerated by in silico analysis. Since supporting evidence is limited at this time, the clinical significance of this alteration remains unclear.

Labcorp Genetics (formerly Invitae), Labcorp
Classification: Uncertain significance for Microcephaly, normal intelligence and immunodeficiency. Last evaluated: 2020-02-19. Review status: criteria provided, single submitter. Criteria: Invitae Variant Classification Sherloc (09022015). Collection method: clinical testing. Allele origin: germline.
Comment: In summary, the available evidence is currently insufficient to determine the role of this variant in disease. Therefore, it has been classified as a Variant of Uncertain Significance. This sequence change replaces asparagine with isoleucine at codon 640 of the NBN protein (p.Asn640Ile). The asparagine residue is weakly conserved and there is a large physicochemical difference between asparagine and isoleucine. This variant is not present in population databases (ExAC no frequency). This variant has not been reported in the literature in individuals with NBN-related conditions. Algorithms developed to predict the effect of missense changes on protein structure and function (SIFT, PolyPhen-2, Align-GVGD) all suggest that this variant is likely to be tolerated, but these predictions have not been confirmed by published functional studies and their clinical significance is uncertain.